The following is an entry in ClinVar:

ClinVar aggregate classification (germline): Uncertain significance. Review status: criteria provided, multiple submitters, no conflicts (2 of 4 stars). 3 submissions from 3 submitters: Uncertain significance (3). Last evaluated 2025-12-22.

Conditions:
Inborn genetic diseases. Identifiers: MedGen C0950123, MeSH D030342.

Allele frequency attached by ClinVar (database versions not stated): gnomAD exomes 0.00002 and below 0.00001.
gnomAD v4.1: 35 of 1,614,198 alleles (0.0022%); highest among the groups gnomAD compares: Non-Finnish European, 0.0029%; no homozygotes.

Submissions (3):

Ambry Genetics
Classification: Uncertain significance for Inborn genetic diseases. Last evaluated: 2025-12-22. Review status: criteria provided, single submitter. Criteria: Ambry Variant Classification Scheme 2023. Collection method: clinical testing. Allele origin: germline.

Labcorp Genetics (formerly Invitae), Labcorp
Classification: Uncertain significance. Last evaluated: 2021-12-18. Review status: criteria provided, single submitter. Criteria: Invitae Variant Classification Sherloc (09022015). Collection method: clinical testing. Allele origin: germline.
Comment: This sequence change replaces glutamic acid, which is acidic and polar, with aspartic acid, which is acidic and polar, at codon 570 of the CNGB1 protein (p.Glu570Asp). This variant is present in population databases (no rsID available, gnomAD 0.0009%). This variant has not been reported in the literature in individuals affected with CNGB1-related conditions. ClinVar contains an entry for this variant (Variation ID: 426828). Advanced modeling of protein sequence and biophysical properties (such as structural, functional, and spatial information, amino acid conservation, physicochemical variation, residue mobility, and thermodynamic stability) performed at Invitae indicates that this missense variant is not expected to disrupt CNGB1 protein function. In summary, the available evidence is currently insufficient to determine the role of this variant in disease. Therefore, it has been classified as a Variant of Uncertain Significance.

GeneDx
Classification: Uncertain significance. Last evaluated: 2017-04-01. Review status: criteria provided, single submitter. Criteria: GeneDx Variant Classification (06012015). Collection method: clinical testing. Allele origin: germline. Affected: yes.
Comment: The E570D variant in the CNGB1 gene has not been reported previously as a pathogenic variant, nor as a benign variant, to our knowledge. The E570D variant is not observed in large population cohorts (Lek et al., 2016; 1000 Genomes Consortium et al., 2015; Exome Variant Server). The E570D variant is a conservative amino acid substitution, which is not likely to impact secondary protein structure as these residues share similar properties. This substitution occurs at a position that is conserved in mammals. In silico analysis is inconsistent in its predictions as to whether or not the variant is damaging to the protein structure/function. Therefore, we interpret E570D as a variant of uncertain significance.

NM_001297.5(CNGB1):c.1710G>T (p.Glu570Asp)

Gene: CNGB1 (cyclic nucleotide gated channel subunit beta 1; minus strand). Cytogenetic location: 16q21.
Variant type: single nucleotide variant.
Coding change: c.1710G>T on transcript NM_001297.5 (MANE Select); coding-DNA position 1710, G replaced by T.
Protein change: p.Glu570Asp; replaces glutamic acid 570 with aspartic acid.
Molecular consequence: missense variant.
Genome position (GRCh38, 1-based): chr16:57,920,478, C>A on the plus strand (G>T on the coding strand, the complement: CNGB1 is on the minus strand). VCF-style: chr16-57920478-C-A. GRCh37 (hg19) VCF-style: chr16-57954382-C-A.
Other names: c.1692G>T, p.Glu564Asp (NM_001286130.2); short protein forms E570D, E564D.
Identifiers: ClinVar variation 426828 (VCV000426828.5), dbSNP rs1085307820, ClinGen allele CA396066685.